The following is an entry in ClinVar:

ClinVar aggregate classification (germline): Uncertain significance (1 of 4 stars; one submission).

Submission:

Women's Health and Genetics/Laboratory Corporation of America, LabCorp
Classification: Uncertain significance. Last evaluated: 2024-03-07. Review status: criteria provided, single submitter. Criteria: LabCorp Variant Classification Summary - May 2015. Collection method: clinical testing. Allele origin: germline.
Comment: Variant summary: GJB2 c.56_57delinsTT (p.Ser19Ile) results in a non-conservative amino acid change located in the Connexin (IPR013092) of the encoded protein sequence. Three of five in-silico tools predict a damaging effect of the variant on protein function. The variant was absent in 249778 control chromosomes. The available data on variant occurrences in the general population are insufficient to allow any conclusion about variant significance. To our knowledge, no occurrence of c.56_57delinsTT in individuals affected with Non-Syndromic Hearing Loss and no experimental evidence demonstrating its impact on protein function have been reported. No submitters have cited clinical-significance assessments for this variant to ClinVar. Based on the evidence outlined above, the variant was classified as uncertain significance.

NM_004004.6(GJB2):c.56_57delinsTT (p.Ser19Ile)

Gene: GJB2 (gap junction protein beta 2; minus strand). Cytogenetic location: 13q12.11.
Variant type: Indel.
Coding change: c.56_57delinsTT on transcript NM_004004.6 (MANE Select); coding-DNA positions 56 to 57, GC replaced by TT.
Protein change: p.Ser19Ile; replaces serine 19 with isoleucine.
Molecular consequence: missense variant.
Genome position (GRCh38, 1-based): chr13:20,189,525-20,189,526, GC replaced by AA on the plus strand (GC replaced by TT on the coding strand, the reverse complement: GJB2 is on the minus strand). VCF-style: chr13-20189525-GC-AA. GRCh37 (hg19) VCF-style: chr13-20763664-GC-AA.
Other names: short protein forms S19I.
Identifiers: ClinVar variation 3233602 (VCV003233602.2), dbSNP rs2500253355, ClinGen allele CA2825002101.